The following is an entry in ClinVar:

NM_002439.5(MSH3):c.517A>C (p.Ser173Arg)

Gene: MSH3 (mutS homolog 3; plus strand). Cytogenetic location: 5q14.1.
Variant type: single nucleotide variant.
Coding change: c.517A>C on transcript NM_002439.5 (MANE Select); coding-DNA position 517, A replaced by C.
Protein change: p.Ser173Arg; replaces serine 173 with arginine.
Molecular consequence: missense variant.
Genome position (GRCh38, 1-based): chr5:80,665,301, A>C. VCF-style: chr5-80665301-A-C. GRCh37 (hg19) VCF-style: chr5-79961120-A-C.
Other names: c.517A>C (NM_002439.3); short protein forms S173R.
Identifiers: ClinVar variation 838013 (VCV000838013.10), dbSNP rs750311213, ClinGen allele CA360264115.

ClinVar aggregate classification (germline): Uncertain significance. Review status: criteria provided, multiple submitters, no conflicts (2 of 4 stars). 2 submissions from 2 submitters: Uncertain significance (2). Last evaluated 2025-03-02.

Conditions:
Hereditary cancer-predisposing syndrome. Also called: Neoplastic Syndromes, Hereditary; Tumor predisposition; Hereditary neoplastic syndrome; Hereditary Cancer Syndrome. Identifiers: Orphanet 140162, MedGen C0027672, MeSH D009386, MONDO:0015356.

Submissions (2):

Ambry Genetics
Classification: Uncertain significance for Hereditary cancer-predisposing syndrome. Last evaluated: 2025-03-02. Review status: criteria provided, single submitter. Criteria: Ambry Variant Classification Scheme 2023. Collection method: clinical testing. Allele origin: germline.
Comment: The p.S173R variant (also known as c.517A>C), located in coding exon 3 of the MSH3 gene, results from an A to C substitution at nucleotide position 517. The serine at codon 173 is replaced by arginine, an amino acid with dissimilar properties. This amino acid position is conserved. In addition, this alteration is predicted to be tolerated by in silico analysis. Based on the available evidence, the clinical significance of this variant remains unclear.

Labcorp Genetics (formerly Invitae), Labcorp
Classification: Uncertain significance. Last evaluated: 2024-11-27. Review status: criteria provided, single submitter. Criteria: Invitae Variant Classification Sherloc (09022015). Collection method: clinical testing. Allele origin: germline.
Comment: This sequence change replaces serine, which is neutral and polar, with arginine, which is basic and polar, at codon 173 of the MSH3 protein (p.Ser173Arg). This variant is not present in population databases (gnomAD no frequency). This variant has not been reported in the literature in individuals affected with MSH3-related conditions. ClinVar contains an entry for this variant (Variation ID: 838013). An algorithm developed to predict the effect of missense changes on protein structure and function (PolyPhen-2) suggests that this variant is likely to be tolerated. In summary, the available evidence is currently insufficient to determine the role of this variant in disease. Therefore, it has been classified as a Variant of Uncertain Significance.